The following is an entry in ClinVar:

ClinVar aggregate classification (germline): Uncertain significance (1 of 4 stars; one submission).

Submission:

GeneDx
Classification: Uncertain significance. Last evaluated: 2025-05-27. Review status: criteria provided, single submitter. Criteria: GeneDx Variant Classification Process June 2021. Collection method: clinical testing. Allele origin: germline. Affected: yes.
Comment: Not observed at significant frequency in large population cohorts (gnomAD); In silico analysis supports that this missense variant has a deleterious effect on protein structure/function; Has not been previously published as pathogenic or benign to our knowledge

NM_000237.3(LPL):c.98A>C (p.Asp33Ala)

Gene: LPL (lipoprotein lipase; plus strand). Cytogenetic location: 8p21.3.
Variant type: single nucleotide variant.
Coding change: c.98A>C on transcript NM_000237.3 (MANE Select); coding-DNA position 98, A replaced by C.
Protein change: p.Asp33Ala; replaces aspartic acid 33 with alanine.
Molecular consequence: missense variant.
Genome position (GRCh38, 1-based): chr8:19,948,189, A>C. VCF-style: chr8-19948189-A-C. GRCh37 (hg19) VCF-style: chr8-19805700-A-C.
Other names: short protein forms D33A.
Identifiers: ClinVar variation 4532447 (VCV004532447.1).
Genomic context (GRCh38, chr8:19,948,189, plus strand): 5'-TAAAATCAAGCAACCCTCCAGTTAACCTCATATCCAATTTTTCCTTTCCAGAAAGAAGAG[A>C]TTTTATCGACATCGAAAGTAAATTTGCCCTAAGGACCCCTGAAGACACAGCTGAGGACAC-3'
Protein context (NP_000228.1, residues 23-43): GGVAAADQRR[Asp33Ala]FIDIESKFAL